The following is an entry in ClinVar:

NM_001023.4(RPS20):c.114C>T (p.Asp38=)

Gene: RPS20 (ribosomal protein S20; minus strand). Cytogenetic location: 8q12.1.
Variant type: single nucleotide variant.
Coding change: c.114C>T on transcript NM_001023.4 (MANE Select); coding-DNA position 114, C replaced by T.
Protein change: p.Asp38=; no amino-acid change (aspartic acid 38 retained).
Molecular consequence: synonymous variant.
Genome position (GRCh38, 1-based): chr8:56,073,758, G>A on the plus strand (C>T on the coding strand, the complement: RPS20 is on the minus strand). VCF-style: chr8-56073758-G-A. GRCh37 (hg19) VCF-style: chr8-56986317-G-A.
Other names: c.114C>T, p.Asp38= (NM_001146227.3).
Identifiers: ClinVar variation 1733551 (VCV001733551.3), dbSNP rs1371332278, ClinGen allele CA461101657.

ClinVar aggregate classification (germline): Benign/Likely benign. Review status: criteria provided, multiple submitters, no conflicts (2 of 4 stars). 2 submissions from 2 submitters: Benign (1); Likely benign (1). Last evaluated 2026-08-03.

Conditions:
Familial colorectal cancer type X. Identifiers: Orphanet 440437, MedGen C3896578, MONDO:0018604.

Submissions (2):

Myriad Genetics, Inc.
Classification: Benign for Familial colorectal cancer type X. Last evaluated: 2026-08-03. Review status: criteria provided, single submitter. Criteria: Myriad Autosomal Dominant, Autosomal Recessive and X-Linked Classification Criteria (2023). Collection method: clinical testing. Allele origin: unknown.
Comment: This variant is considered benign. This variant is a silent/synonymous amino acid change and it is not expected to impact splicing.

Ambry Genetics
Classification: Likely benign. Last evaluated: 2022-06-20. Review status: criteria provided, single submitter. Criteria: Ambry Variant Classification Scheme 2023. Collection method: clinical testing. Allele origin: germline.